The following is an entry in ClinVar:

NM_080424.4(SP110):c.1815+14A>G

Gene: SP110 (SP110 nuclear body protein; minus strand). Cytogenetic location: 2q37.1.
Variant type: single nucleotide variant.
Coding change: c.1815+14A>G on transcript NM_080424.4 (MANE Select); 14 bases into the intron after coding-DNA position 1815, A replaced by G.
Molecular consequence: intron variant.
Genome position (GRCh38, 1-based): chr2:230,172,052, T>C on the plus strand (A>G on the coding strand, the complement: SP110 is on the minus strand). VCF-style: chr2-230172052-T-C. GRCh37 (hg19) VCF-style: chr2-231036768-T-C.
Other names: c.1833+14A>G (NM_001378446.1, NM_001378445.1, NM_001378442.1 and 1 more transcripts); c.1815+14A>G (NM_004509.5, NM_001378443.1).
Identifiers: ClinVar variation 334896 (VCV000334896.17), dbSNP rs34034766, ClinGen allele CA2154352.

ClinVar aggregate classification (germline): Benign. Review status: criteria provided, multiple submitters, no conflicts (2 of 4 stars). 4 submissions from 4 submitters: Benign (4). Last evaluated 2026-02-04.

Conditions:
Hepatic veno-occlusive disease-immunodeficiency syndrome. Also called: Hepatic Veno-Occlusive Disease with Immunodeficiency. Identifiers: Orphanet 79124, MedGen C1856128, MONDO:0009338, OMIM 235550. Disease mechanism: loss of function.

Allele frequency attached by ClinVar (database versions not stated): 1000 Genomes Project 0.07887; 1000 Genomes Project 30x 0.08104; gnomAD exomes 0.09753 and 0.11169; ExAC 0.10023; gnomAD 0.10949 and 0.11238; TOPMed 0.11167; ESP Exome Variant Server 0.11756.
gnomAD v4.1: 164,604 of 1,478,622 alleles (11%); highest among the groups gnomAD compares: Non-Finnish European, 12%; 9,984 homozygotes.

Submissions (4):

Labcorp Genetics (formerly Invitae), Labcorp
Classification: Benign for Hepatic veno-occlusive disease-immunodeficiency syndrome. Last evaluated: 2026-02-04. Review status: criteria provided, single submitter. Criteria: Invitae Variant Classification Sherloc (09022015). Collection method: clinical testing. Allele origin: germline.

Illumina Laboratory Services, Illumina
Classification: Benign for Hepatic veno-occlusive disease-immunodeficiency syndrome. Last evaluated: 2018-01-12. Review status: criteria provided, single submitter. Criteria: ICSL Variant Classification Criteria 13 December 2019. Collection method: clinical testing. Allele origin: germline.
Comment: This variant was observed in the ICSL laboratory as part of a predisposition screen in an ostensibly healthy population. It had not been previously curated by ICSL or reported in the Human Gene Mutation Database (HGMD: prior to June 1st, 2018), and was therefore a candidate for classification through an automated scoring system. Utilizing variant allele frequency, disease prevalence and penetrance estimates, and inheritance mode, an automated score was calculated to assess if this variant is too frequent to cause the disease. Based on the score and internal cut-off values, a variant classified as benign is not then subjected to further curation. The score for this variant resulted in a classification of benign for this disease.

Laboratory for Molecular Medicine, Mass General Brigham Personalized Medicine
Classification: Benign. Last evaluated: 2016-03-29. Review status: criteria provided, single submitter. Criteria: LMM Criteria. Collection method: clinical testing. Allele origin: germline.
Comment: Variant identified in a genome or exome case(s) and assessed due to predicted null impact of the variant or pathogenic assertions in the literature or databases. Disclaimer: This variant has not undergone full assessment. The following are preliminary notes: Frequency

Breakthrough Genomics
Classification: Benign. Review status: criteria provided, single submitter. Criteria: ACMG Guidelines, 2015. Collection method: not provided. Allele origin: germline. Inheritance: Autosomal recessive inheritance. Affected: yes.